The following is an entry in ClinVar:

ClinVar aggregate classification (germline): Likely benign (1 of 4 stars; one submission).

Allele frequency attached by ClinVar (database versions not stated): TOPMed 0.00012; gnomAD 0.00027; 1000 Genomes Project 30x 0.00125; 1000 Genomes Project 0.00140.
gnomAD v4.1: 41 of 152,332 alleles (0.027%); highest among the groups gnomAD compares: South Asian, 0.66%; no homozygotes.

Submission:

CeGaT Center for Human Genetics Tuebingen
Classification: Likely benign. Last evaluated: 2024-08-01. Review status: criteria provided, single submitter. Criteria: CeGaT Center For Human Genetics Tuebingen Variant Classification Criteria Version 2. Collection method: clinical testing. Allele origin: germline. Affected: yes. Observed: 2 variant alleles.
Comment: FGFR2: BS1

NM_000141.5(FGFR2):c.2302-1025T>G

Gene: FGFR2 (fibroblast growth factor receptor 2; minus strand). Cytogenetic location: 10q26.13.
Variant type: single nucleotide variant.
Coding change: c.2302-1025T>G on transcript NM_000141.5 (MANE Select); 1025 bases into the intron before coding-DNA position 2302, T replaced by G.
Molecular consequence: intron variant.
Genome position (GRCh38, 1-based): chr10:121,481,046, A>C on the plus strand (T>G on the coding strand, the complement: FGFR2 is on the minus strand). VCF-style: chr10-121481046-A-C. GRCh37 (hg19) VCF-style: chr10-123240560-A-C.
Other names: c.1966-1025T>G (NM_001144914.1); c.1951-1025T>G (NM_001144918.2); c.1951-933T>G (NM_001441091.1); c.1957-1025T>G (NM_001441090.1, NM_001144916.2); c.2029-1025T>G (NM_001441089.1); c.2035-1025T>G (NM_023029.3); c.2032-1025T>G (NM_001441088.1); c.1954-1025T>G (NM_001144917.2); and 5 more.
Identifiers: ClinVar variation 2640885 (VCV002640885.24), dbSNP rs554534648, ClinGen allele CA214952644.